The following is an entry in ClinVar:

ClinVar aggregate classification (germline): Likely benign (1 of 4 stars; one submission).

Allele frequency attached by ClinVar (database versions not stated): 1000 Genomes Project 0.00260; 1000 Genomes Project 30x 0.00265; ExAC 0.00607; gnomAD 0.00616; TOPMed 0.00640; ESP Exome Variant Server 0.00690; gnomAD exomes 0.00854.
gnomAD v4.1: 13,398 of 1,613,970 alleles (0.83%); highest among the groups gnomAD compares: Non-Finnish European, 0.99%; 65 homozygotes.

Submission:

CeGaT Center for Human Genetics Tuebingen
Classification: Likely benign. Last evaluated: 2023-04-01. Review status: criteria provided, single submitter. Criteria: CeGaT Center For Human Genetics Tuebingen Variant Classification Criteria Version 2. Collection method: clinical testing. Allele origin: germline. Affected: yes. Observed: 1 variant allele.
Comment: ITGA11: BP4, BS2

NM_001004439.2(ITGA11):c.831C>T (p.Ser277=)

Gene: ITGA11 (integrin subunit alpha 11; minus strand). Cytogenetic location: 15q23.
Variant type: single nucleotide variant.
Coding change: c.831C>T on transcript NM_001004439.2 (MANE Select); coding-DNA position 831, C replaced by T.
Protein change: p.Ser277=; no amino-acid change (serine 277 retained).
Molecular consequence: synonymous variant.
Genome position (GRCh38, 1-based): chr15:68,351,321, G>A on the plus strand (C>T on the coding strand, the complement: ITGA11 is on the minus strand). VCF-style: chr15-68351321-G-A. GRCh37 (hg19) VCF-style: chr15-68643659-G-A.
Identifiers: ClinVar variation 2645488 (VCV002645488.24), dbSNP rs61729770, ClinGen allele CA7632054.